The following is an entry in ClinVar:

ClinVar aggregate classification (germline): Likely benign (0 of 4 stars; one submission).

Conditions:
MCTP2-related disorder. Also called: MCTP2-related condition.

Allele frequency attached by ClinVar (database versions not stated): 1000 Genomes Project 30x 0.00047; 1000 Genomes Project 0.00060; TOPMed 0.00076; ESP Exome Variant Server 0.00085; gnomAD 0.00087; ExAC 0.00140; gnomAD exomes 0.00140.
gnomAD v4.1: 2,177 of 1,614,084 alleles (0.13%); highest among the groups gnomAD compares: Non-Finnish European, 0.16%; 3 homozygotes.

Submissions (5):

PreventionGenetics, part of Exact Sciences
Classification: Likely benign for MCTP2-related condition. Last evaluated: 2023-08-02. Review status: no assertion criteria provided. Collection method: clinical testing. Allele origin: germline.
Comment: This variant is classified as likely benign based on ACMG/AMP sequence variant interpretation guidelines (Richards et al. 2015 PMID: 25741868, with internal and published modifications).

Dr. Peter K. Rogan Lab, Western University
No classification provided (evidence only). Condition: Familial cancer of breast. Review status: no classification provided. Collection method: in vitro. Allele origin: not applicable. Functional consequence: retained intron. Not counted in ClinVar's aggregate classification.

Dr. Peter K. Rogan Lab, Western University
No classification provided (evidence only). Condition: Acute myeloid leukemia. Review status: no classification provided. Collection method: in vitro. Allele origin: not applicable. Functional consequence: retained intron. Not counted in ClinVar's aggregate classification.

Dr. Peter K. Rogan Lab, Western University
No classification provided (evidence only). Condition: Acute myeloid leukemia. Review status: no classification provided. Collection method: in vitro. Allele origin: not applicable. Functional consequence: retained intron. Not counted in ClinVar's aggregate classification.

Dr. Peter K. Rogan Lab, Western University
No classification provided (evidence only). Condition: Malignant tumor of esophagus. Review status: no classification provided. Collection method: in vitro. Allele origin: not applicable. Functional consequence: retained intron. Not counted in ClinVar's aggregate classification.

NM_001385001.1(MCTP2):c.116G>A (p.Arg39Gln)

Gene: MCTP2 (multiple C2 and transmembrane domain containing 2; plus strand). Cytogenetic location: 15q26.2.
Variant type: single nucleotide variant.
Coding change: c.116G>A on transcript NM_001385001.1 (MANE Select); coding-DNA position 116, G replaced by A.
Protein change: p.Arg39Gln; replaces arginine 39 with glutamine.
Molecular consequence: missense variant. On other transcripts: 5 prime UTR variant (2), non-coding transcript variant (7), intron variant (2).
Genome position (GRCh38, 1-based): chr15:94,298,381, G>A. VCF-style: chr15-94298381-G-A. GRCh37 (hg19) VCF-style: chr15-94841610-G-A.
Other names: NC_000015.9:g.94841610G>A; c.116G>A, p.Arg39Gln (NM_001159643.2, NM_001385002.1, NM_001385003.1 and 5 more transcripts); c.-225G>A (NM_001385007.1, NM_001385011.1); c.-33-15901G>A (NM_001385009.1, NM_001385010.1); short protein forms R39Q.
Identifiers: ClinVar variation 3039959 (VCV003039959.3), dbSNP rs149237812, ClinGen allele CA7749399.